The following is an entry in ClinVar:

ClinVar aggregate classification (germline): Likely benign. Review status: criteria provided, single submitter (1 of 4 stars). 2 submissions from 2 submitters: Likely benign (1). 1 of the submissions does not count toward it. Last evaluated 2025-10-23.

Conditions:
SLC25A12-related disorder. Also called: SLC25A12-related condition.

Allele frequency attached by ClinVar (database versions not stated): gnomAD 0.00012 and 0.00014; gnomAD exomes 0.00016; TOPMed 0.00018; ESP Exome Variant Server 0.00023; ExAC 0.00039.
gnomAD v4.1: 186 of 1,608,514 alleles (0.012%); highest among the groups gnomAD compares: Non-Finnish European, 0.013%; no homozygotes.

Submissions (2):

Labcorp Genetics (formerly Invitae), Labcorp
Classification: Likely benign. Last evaluated: 2025-10-23. Review status: criteria provided, single submitter. Criteria: Invitae Variant Classification Sherloc (09022015). Collection method: clinical testing. Allele origin: germline.

PreventionGenetics, part of Exact Sciences
Classification: Likely benign for SLC25A12-related condition. Last evaluated: 2019-03-04. Review status: no assertion criteria provided. Collection method: clinical testing. Allele origin: germline. Not counted in ClinVar's aggregate classification.
Comment: This variant is classified as likely benign based on ACMG/AMP sequence variant interpretation guidelines (Richards et al. 2015 PMID: 25741868, with internal and published modifications).

NM_003705.5(SLC25A12):c.12+7C>G

Gene: SLC25A12 (solute carrier family 25 member 12; minus strand). Cytogenetic location: 2q31.1.
Variant type: single nucleotide variant.
Coding change: c.12+7C>G on transcript NM_003705.5 (MANE Select); 7 bases into the intron after coding-DNA position 12, C replaced by G.
Molecular consequence: intron variant.
Genome position (GRCh38, 1-based): chr2:171,894,196, G>C on the plus strand (C>G on the coding strand, the complement: SLC25A12 is on the minus strand). VCF-style: chr2-171894196-G-C. GRCh37 (hg19) VCF-style: chr2-172750706-G-C.
Identifiers: ClinVar variation 696727 (VCV000696727.12), dbSNP rs372252947, ClinGen allele CA1966533.